The following is an entry in ClinVar:

NM_000393.5(COL5A2):c.271G>A (p.Glu91Lys)

Gene: COL5A2 (collagen type V alpha 2 chain; minus strand). Cytogenetic location: 2q32.2.
Variant type: single nucleotide variant.
Coding change: c.271G>A on transcript NM_000393.5 (MANE Select); coding-DNA position 271, G replaced by A.
Protein change: p.Glu91Lys; replaces glutamic acid 91 with lysine.
Molecular consequence: missense variant.
Genome position (GRCh38, 1-based): chr2:189,110,276, C>T on the plus strand (G>A on the coding strand, the complement: COL5A2 is on the minus strand). VCF-style: chr2-189110276-C-T. GRCh37 (hg19) VCF-style: chr2-189975002-C-T.
Other names: short protein forms E91K.
Identifiers: ClinVar variation 3628097 (VCV003628097.2).
Genomic context (GRCh38, chr2:189,110,276, plus strand): 5'-CATTCTTACCAAAATTGGTATTGCCACCTCCAGGTGTTTGTGAACAGACAGGACAGCATT[C>T]CCCAGGGGGCGTTACAGGGTCGGCACAGTCCAGCACATCCTGGCATTCTATCTTGTCACA-3'
Protein context (NP_000384.2, residues 81-101): DCADPVTPPG[Glu91Lys]CCPVCSQTPG

ClinVar aggregate classification (germline): Uncertain significance (1 of 4 stars; one submission).

Conditions:
Ehlers-Danlos syndrome, classic type, 1 (EDSCL1). Also called: EHLERS-DANLOS SYNDROME, GRAVIS TYPE; EHLERS-DANLOS SYNDROME, SEVERE CLASSIC TYPE; Ehlers-Danlos syndrome, type 1; Ehlers-Danlos Syndrome, Classic Type, COL5A1-Related; EDS I. Identifiers: MedGen C0268335, MONDO:0019567, OMIM 130000.

Submission:

Labcorp Genetics (formerly Invitae), Labcorp
Classification: Uncertain significance for Ehlers-Danlos syndrome, classic type, 1. Last evaluated: 2024-03-11. Review status: criteria provided, single submitter. Criteria: Invitae Variant Classification Sherloc (09022015). Collection method: clinical testing. Allele origin: germline.
Comment: This sequence change replaces glutamic acid, which is acidic and polar, with lysine, which is basic and polar, at codon 91 of the COL5A2 protein (p.Glu91Lys). This variant is not present in population databases (gnomAD no frequency). This variant has not been reported in the literature in individuals affected with COL5A2-related conditions. Advanced modeling of protein sequence and biophysical properties (such as structural, functional, and spatial information, amino acid conservation, physicochemical variation, residue mobility, and thermodynamic stability) performed at Invitae indicates that this missense variant is not expected to disrupt COL5A2 protein function with a negative predictive value of 95%. In summary, the available evidence is currently insufficient to determine the role of this variant in disease. Therefore, it has been classified as a Variant of Uncertain Significance.